The following is an entry in ClinVar:

NC_000011.9:g.(?_17519689)_(17523547_?)del

Gene: USH1C (USH1 protein network component harmonin; minus strand). Cytogenetic location: 11p15.1.
Variant type: Deletion.
Identifiers: ClinVar variation 2425404 (VCV002425404.4).

ClinVar aggregate classification (germline): Uncertain significance (1 of 4 stars; one submission).

Submission:

Labcorp Genetics (formerly Invitae), Labcorp
Classification: Uncertain significance. Last evaluated: 2022-05-08. Review status: criteria provided, single submitter. Criteria: Invitae Variant Classification Sherloc (09022015). Collection method: clinical testing. Allele origin: germline.
Comment: This variant is a gross deletion of the genomic region encompassing exon(s) 16-19 of the USH1C gene. This variant would be expected to be in-frame, preserving the integrity of the reading frame. This variant has not been reported in the literature in individuals affected with USH1C-related conditions. Experimental studies and prediction algorithms are not available or were not evaluated, and the functional significance of this variant is currently unknown. In summary, the available evidence is currently insufficient to determine the role of this variant in disease. Therefore, it has been classified as a Variant of Uncertain Significance.